The following is an entry in ClinVar:

ClinVar aggregate classification (germline): Likely benign (0 of 4 stars; one submission).

Conditions:
EBF3-related disorder. Identifiers: MedGen CN239924.

Submission:

PreventionGenetics, part of Exact Sciences
Classification: Likely benign for EBF3-related condition. Last evaluated: 2019-07-12. Review status: no assertion criteria provided. Collection method: clinical testing. Allele origin: germline.
Comment: This variant is classified as likely benign based on ACMG/AMP sequence variant interpretation guidelines (Richards et al. 2015 PMID: 25741868, with internal and published modifications).

NM_001375380.1(EBF3):c.1665C>T (p.Ser555=)

Gene: EBF3 (EBF transcription factor 3; minus strand). Cytogenetic location: 10q26.3.
Variant type: single nucleotide variant.
Coding change: c.1665C>T on transcript NM_001375380.1 (MANE Select); coding-DNA position 1665, C replaced by T.
Protein change: p.Ser555=; no amino-acid change (serine 555 retained).
Molecular consequence: synonymous variant. On other transcripts: intron variant (4).
Genome position (GRCh38, 1-based): chr10:129,840,339, G>A on the plus strand (C>T on the coding strand, the complement: EBF3 is on the minus strand). VCF-style: chr10-129840339-G-A. GRCh37 (hg19) VCF-style: chr10-131638603-G-A.
Other names: c.1665C>T, p.Ser555= (NM_001375379.1); c.1449C>T, p.Ser483= (NM_001375392.1); c.1535-5C>T (NM_001005463.3, NM_001375390.1); c.1562-5C>T (NM_001375391.1, NM_001375389.1).
Identifiers: ClinVar variation 3350667 (VCV003350667.1).